The following is an entry in ClinVar:

ClinVar aggregate classification (germline): Uncertain significance (1 of 4 stars; one submission).

Conditions:
Inborn genetic diseases. Identifiers: MedGen C0950123, MeSH D030342.

Submission:

Ambry Genetics
Classification: Uncertain significance for Inborn genetic diseases. Last evaluated: 2026-09-14. Review status: criteria provided, single submitter. Criteria: Ambry Variant Classification Scheme 2023. Collection method: clinical testing. Allele origin: germline.
Comment: The p.L210V variant (also known as c.628C>G), located in coding exon 6 of the RUNX1 gene, results from a C to G substitution at nucleotide position 628. The leucine at codon 210 is replaced by valine, an amino acid with highly similar properties. This amino acid position is well conserved in available vertebrate species. In addition, the in silico prediction for this alteration is inconclusive. Based on the available evidence, the clinical significance of this variant remains unclear.

NM_001754.5(RUNX1):c.628C>G (p.Leu210Val)

Gene: RUNX1 (RUNX family transcription factor 1; minus strand). Cytogenetic location: 21q22.12.
Variant type: single nucleotide variant.
Coding change: c.628C>G on transcript NM_001754.5 (MANE Select); coding-DNA position 628, C replaced by G.
Protein change: p.Leu210Val; replaces leucine 210 with valine.
Molecular consequence: missense variant.
Genome position (GRCh38, 1-based): chr21:34,834,587, G>C on the plus strand (C>G on the coding strand, the complement: RUNX1 is on the minus strand). VCF-style: chr21-34834587-G-C. GRCh37 (hg19) VCF-style: chr21-36206884-G-C.
Other names: c.547C>G, p.Leu183Val (NM_001001890.3, NM_001122607.2); short protein forms L183V, L210V.
Identifiers: ClinVar variation 5028611 (VCV005028611.1).